The following is an entry in ClinVar:

ClinVar aggregate classification (germline): Uncertain significance (1 of 4 stars; one submission).

gnomAD v4.1: 1 of 1,192,885 alleles (0.000084%); highest among the groups gnomAD compares: Middle Eastern, 0.024%; no homozygotes.

Submission:

GeneDx
Classification: Uncertain significance. Last evaluated: 2025-07-01. Review status: criteria provided, single submitter. Criteria: GeneDx Variant Classification Process June 2021. Collection method: clinical testing. Allele origin: germline. Affected: yes.
Comment: Not observed at significant frequency in large population cohorts (gnomAD); In silico analysis supports that this missense variant has a deleterious effect on protein structure/function; Has not been previously published as pathogenic or benign to our knowledge

NM_144658.4(DOCK11):c.3148T>C (p.Tyr1050His)

Gene: DOCK11 (dedicator of cytokinesis 11; plus strand). Cytogenetic location: Xq24.
Variant type: single nucleotide variant.
Coding change: c.3148T>C on transcript NM_144658.4 (MANE Select); coding-DNA position 3148, T replaced by C.
Protein change: p.Tyr1050His; replaces tyrosine 1050 with histidine.
Molecular consequence: missense variant.
Genome position (GRCh38, 1-based): chrX:118,614,743, T>C. VCF-style: chrX-118614743-T-C. GRCh37 (hg19) VCF-style: chrX-117748706-T-C.
Other names: short protein forms Y1050H.
Identifiers: ClinVar variation 4680977 (VCV004680977.1).